The following is an entry in ClinVar:

ClinVar aggregate classification (germline): Uncertain significance (1 of 4 stars; one submission).

Conditions:
Hereditary spastic paraplegia 62. Also called: Spastic paraplegia 62, autosomal recessive. Identifiers: Orphanet 401785, MedGen C4284588, MONDO:0014302, OMIM 615681.

Submission:

Labcorp Genetics (formerly Invitae), Labcorp
Classification: Uncertain significance for Hereditary spastic paraplegia 62. Last evaluated: 2021-05-18. Review status: criteria provided, single submitter. Criteria: Invitae Variant Classification Sherloc (09022015). Collection method: clinical testing. Allele origin: germline.
Comment: In summary, the available evidence is currently insufficient to determine the role of this variant in disease. Therefore, it has been classified as a Variant of Uncertain Significance. Algorithms developed to predict the effect of sequence changes on RNA splicing suggest that this variant may create or strengthen a splice site, but this prediction has not been confirmed by published transcriptional studies. Algorithms developed to predict the effect of missense changes on protein structure and function are either unavailable or do not agree on the potential impact of this missense change (SIFT: "Deleterious"; PolyPhen-2: "Probably Damaging"; Align-GVGD: "Class C0"). This variant has not been reported in the literature in individuals with ERLIN1-related conditions. This variant is not present in population databases (ExAC no frequency). This sequence change replaces asparagine with serine at codon 95 of the ERLIN1 protein (p.Asn95Ser). The asparagine residue is highly conserved and there is a small physicochemical difference between asparagine and serine.

NM_006459.4(ERLIN1):c.284A>G (p.Asn95Ser)

Gene: ERLIN1 (ER lipid raft associated 1; minus strand). Cytogenetic location: 10q24.31.
Variant type: single nucleotide variant.
Coding change: c.284A>G on transcript NM_006459.4 (MANE Select); coding-DNA position 284, A replaced by G.
Protein change: p.Asn95Ser; replaces asparagine 95 with serine.
Molecular consequence: missense variant. On other transcripts: non-coding transcript variant (5), intron variant (1).
Genome position (GRCh38, 1-based): chr10:100,178,153, T>C on the plus strand (A>G on the coding strand, the complement: ERLIN1 is on the minus strand). VCF-style: chr10-100178153-T-C. GRCh37 (hg19) VCF-style: chr10-101937910-T-C.
Other names: c.284A>G, p.Asn95Ser (NM_001100626.2, NM_001347857.2, NM_001347859.2 and 2 more transcripts); c.32A>G, p.Asn11Ser (NM_001347856.2); c.-176-2083A>G (NM_001347858.2); short protein forms N11S, N95S.
Identifiers: ClinVar variation 1491893 (VCV001491893.8), dbSNP rs2134169468, ClinGen allele CA378155654.
Genomic context (GRCh38, chr10:100,178,153, plus strand): 5'-GGCTATAACTATAAAAACCACAGGTAGATGGGTAACATACCTGCATAAGGAGCCAACATA[T>C]TAACCACTTCTATTCGGTCAATATAGATCATGACCCCACCACTAAAAACAAAGAAAAAAA-3'
Protein context (NP_006450.2, residues 85-105): MIYIDRIEVV[Asn95Ser]MLAPYAVFDI